The following is an entry in ClinVar:

ClinVar aggregate classification (germline): Uncertain significance (1 of 4 stars; one submission).

Conditions:
Inborn genetic diseases. Identifiers: MedGen C0950123, MeSH D030342.

gnomAD v4.1: 1 of 1,613,866 alleles (0.000062%); highest among the groups gnomAD compares: Non-Finnish European, 0.000085%; no homozygotes.

Submission:

Ambry Genetics
Classification: Uncertain significance for Inborn genetic diseases. Last evaluated: 2024-12-12. Review status: criteria provided, single submitter. Criteria: Ambry Variant Classification Scheme 2023. Collection method: clinical testing. Allele origin: germline.
Comment: The p.S149T variant (also known as c.446G>C), located in coding exon 3 of the SBDS gene, results from a G to C substitution at nucleotide position 446. The serine at codon 149 is replaced by threonine, an amino acid with similar properties. This amino acid position is conserved. In addition, the in silico prediction for this alteration is inconclusive. Based on the available evidence, the clinical significance of this variant remains unclear.

NM_016038.4(SBDS):c.446G>C (p.Ser149Thr)

Gene: SBDS (SBDS ribosome maturation factor; minus strand). Cytogenetic location: 7q11.21.
Variant type: single nucleotide variant.
Coding change: c.446G>C on transcript NM_016038.4 (MANE Select); coding-DNA position 446, G replaced by C.
Protein change: p.Ser149Thr; replaces serine 149 with threonine.
Molecular consequence: missense variant.
Genome position (GRCh38, 1-based): chr7:66,993,230, C>G on the plus strand (G>C on the coding strand, the complement: SBDS is on the minus strand). VCF-style: chr7-66993230-C-G. GRCh37 (hg19) VCF-style: chr7-66458217-C-G.
Other names: short protein forms S149T.
Identifiers: ClinVar variation 3437548 (VCV003437548.2).